The following is an entry in ClinVar:

NM_007294.4(BRCA1):c.4196C>G (p.Thr1399Ser)

Gene: BRCA1 (BRCA1 DNA repair associated; minus strand). Cytogenetic location: 17q21.31.
Variant type: single nucleotide variant.
Coding change: c.4196C>G on transcript NM_007294.4 (MANE Select); coding-DNA position 4196, C replaced by G.
Protein change: p.Thr1399Ser; replaces threonine 1399 with serine.
Molecular consequence: missense variant. On other transcripts: non-coding transcript variant (1).
Genome position (GRCh38, 1-based): chr17:43,082,565, G>C on the plus strand (C>G on the coding strand, the complement: BRCA1 is on the minus strand). VCF-style: chr17-43082565-G-C. GRCh37 (hg19) VCF-style: chr17-41234582-G-C.
Other names: c.4184C>G, p.Thr1395Ser (NM_001407646.1, NM_001407647.1); c.4073C>G, p.Thr1358Ser (NM_001407648.1, NM_001407664.1, NM_001407665.1 and 13 more transcripts); c.4070C>G, p.Thr1357Ser (NM_001407649.1, NM_001407670.1, NM_001407671.1 and 12 more transcripts); c.4196C>G, p.Thr1399Ser (NM_001407652.1, NM_001407684.1, NM_001407854.1 and 23 more transcripts); c.4118C>G, p.Thr1373Ser (NM_001407653.1, NM_001407654.1, NM_001407655.1 and 2 more transcripts); c.4115C>G, p.Thr1372Ser (NM_001407656.1, NM_001407661.1, NM_001407662.1 and 1 more transcripts); c.4112C>G, p.Thr1371Ser (NM_001407659.1, NM_001407660.1); c.4067C>G, p.Thr1356Ser (NM_001407685.1, NM_001407686.1, NM_001407687.1 and 2 more transcripts); and 51 more; short protein forms T1399S, T1352S, T296S, T1230S, T1272S, T1309S, T1327S, T1371S.
Identifiers: ClinVar variation 230250 (VCV000230250.6), dbSNP rs876658465, ClinGen allele CA10580530.

ClinVar aggregate classification (germline): Uncertain significance (1 of 4 stars; one submission).

Conditions:
Hereditary cancer-predisposing syndrome. Also called: Hereditary neoplastic syndrome; Hereditary Cancer Syndrome; Neoplastic Syndromes, Hereditary; Tumor predisposition. Identifiers: Orphanet 140162, MedGen C0027672, MeSH D009386, MONDO:0015356.

Submission:

Ambry Genetics
Classification: Uncertain significance for Hereditary cancer-predisposing syndrome. Last evaluated: 2015-02-05. Review status: criteria provided, single submitter. Criteria: Ambry Variant Classification Scheme 2023. Collection method: clinical testing. Allele origin: germline.
Comment: The p.T1399S variant (also known as c.4196C>G and 4315C>G), located in coding exon 11 of the BRCA1 gene, results from a C to G substitution at nucleotide position 4196. The threonine at codon 1399 is replaced by serine, an amino acid with similar properties. This variant was not reported in population based cohorts in the following databases: Database of Single Nucleotide Polymorphisms (dbSNP), NHLBI Exome Sequencing Project (ESP), and 1000 Genomes Project. In the ESP, this variant was not observed in 6503 samples (13006 alleles) with coverage at this position. To date, this alteration has been detected with an allele frequency of approximately 0.001% (greater than 105,000 alleles tested) in our clinical cohort. This amino acid position is well conserved in available vertebrate species. In addition, the in silico prediction for this alteration is inconclusive. Since supporting evidence is limited at this time, the clinical significance of p.T1399S remains unclear.